The following is an entry in ClinVar:

NM_133497.4(KCNV2):c.*6T>C

Gene: KCNV2 (potassium voltage-gated channel modifier subfamily V member 2; plus strand). Cytogenetic location: 9p24.2.
Variant type: single nucleotide variant.
Coding change: c.*6T>C on transcript NM_133497.4 (MANE Select); 6 bases downstream of the stop codon, T replaced by C.
Molecular consequence: 3 prime UTR variant.
Genome position (GRCh38, 1-based): chr9:2,729,733, T>C. VCF-style: chr9-2729733-T-C. GRCh37 (hg19) VCF-style: chr9-2729733-T-C.
Identifiers: ClinVar variation 262358 (VCV000262358.7), dbSNP rs41306094, ClinGen allele CA4965960.

ClinVar aggregate classification (germline): Benign. Review status: criteria provided, multiple submitters, no conflicts (2 of 4 stars). 3 submissions from 3 submitters: Benign (3). Last evaluated 2018-01-12.

Conditions:
Cone dystrophy with supernormal rod response (CDSRR). Also called: CONE DYSTROPHY WITH SUPERNORMAL ROD RESPONSES. Identifiers: Orphanet 209932, MedGen C1835897, MONDO:0012475, OMIM 610356.

Allele frequency attached by ClinVar (database versions not stated): gnomAD exomes 0.08420 and 0.07443; gnomAD 0.10046 and 0.10348; ExAC 0.08413; 1000 Genomes Project 0.08826; 1000 Genomes Project 30x 0.09385; ESP Exome Variant Server 0.10449; TOPMed 0.10729.
gnomAD v4.1: 124,095 of 1,612,442 alleles (7.7%); highest among the groups gnomAD compares: African/African-American, 16%; 5,597 homozygotes.

Submissions (3):

Illumina Laboratory Services, Illumina
Classification: Benign for Cone dystrophy with supernormal rod response. Last evaluated: 2018-01-12. Review status: criteria provided, single submitter. Criteria: ICSL Variant Classification Criteria 13 December 2019. Collection method: clinical testing. Allele origin: germline.
Comment: This variant was observed in the ICSL laboratory as part of a predisposition screen in an ostensibly healthy population. It had not been previously curated by ICSL or reported in the Human Gene Mutation Database (HGMD: prior to June 1st, 2018), and was therefore a candidate for classification through an automated scoring system. Utilizing variant allele frequency, disease prevalence and penetrance estimates, and inheritance mode, an automated score was calculated to assess if this variant is too frequent to cause the disease. Based on the score and internal cut-off values, a variant classified as benign is not then subjected to further curation. The score for this variant resulted in a classification of benign for this disease.

Breakthrough Genomics
Classification: Benign. Review status: criteria provided, single submitter. Criteria: ACMG Guidelines, 2015. Collection method: not provided. Allele origin: germline. Inheritance: Autosomal recessive inheritance. Affected: yes.

PreventionGenetics, part of Exact Sciences
Classification: Benign. Review status: criteria provided, single submitter. Criteria: ACMG Guidelines, 2015. Collection method: clinical testing. Allele origin: germline.